The following is an entry in ClinVar:

NM_001081.4(CUBN):c.9166G>A (p.Ala3056Thr)

Gene: CUBN (cubilin; minus strand). Cytogenetic location: 10p13.
Variant type: single nucleotide variant.
Coding change: c.9166G>A on transcript NM_001081.4 (MANE Select); coding-DNA position 9166, G replaced by A.
Protein change: p.Ala3056Thr; replaces alanine 3056 with threonine.
Molecular consequence: missense variant.
Genome position (GRCh38, 1-based): chr10:16,874,444, C>T on the plus strand (G>A on the coding strand, the complement: CUBN is on the minus strand). VCF-style: chr10-16874444-C-T. GRCh37 (hg19) VCF-style: chr10-16916443-C-T.
Other names: short protein forms A3056T.
Identifiers: ClinVar variation 655284 (VCV000655284.10), dbSNP rs569915247, ClinGen allele CA5422793.
Genomic context (GRCh38, chr10:16,874,444, plus strand): 5'-TCACCTTGTCGTCACTAACGGTGATGGTATACAGACAGTGCATATCATTTGGGTAGTCTG[C>T]GTATGAATAGGCAGGACTTGTGATGATTCCAGAAGAGAAATTGAACACACCACCACAGGC-3'
Protein context (NP_001072.2, residues 3046-3066): GIITSPAYSY[Ala3056Thr]DYPNDMHCLY

ClinVar aggregate classification (germline): Conflicting classifications of pathogenicity. Review status: criteria provided, conflicting classifications (1 of 4 stars). 2 submissions from 2 submitters: Uncertain significance (1); Likely benign (1). Last evaluated 2024-02-21.

Conditions:
Imerslund-Grasbeck syndrome. Also called: Imerslund-Gräsbeck syndrome; ENTEROCYTE COBALAMIN MALABSORPTION; ENTEROCYTE INTRINSIC FACTOR RECEPTOR, DEFECT OF; PERNICIOUS ANEMIA, JUVENILE, DUE TO SELECTIVE INTESTINAL MALABSORPTION OF VITAMIN B12, WITH PROTEINURIA; Megaloblastic anemia due to inborn errors of metabolism. Identifiers: Orphanet 35858, MedGen C4551825, MONDO:0009853.
Inborn genetic diseases. Identifiers: MedGen C0950123, MeSH D030342.

Allele frequency attached by ClinVar (database versions not stated): gnomAD 0.00003; gnomAD exomes 0.00003; ExAC 0.00004; TOPMed 0.00005; 1000 Genomes Project 30x 0.00016; 1000 Genomes Project 0.00020.
gnomAD v4.1: 52 of 1,613,966 alleles (0.0032%); highest among the groups gnomAD compares: African/African-American, 0.0067%; no homozygotes.

Submissions (2):

Ambry Genetics
Classification: Likely benign for Inborn genetic diseases. Last evaluated: 2024-02-21. Review status: criteria provided, single submitter. Criteria: Ambry Variant Classification Scheme 2023. Collection method: clinical testing. Allele origin: germline.

Labcorp Genetics (formerly Invitae), Labcorp
Classification: Uncertain significance for Imerslund-Grasbeck syndrome. Last evaluated: 2022-10-05. Review status: criteria provided, single submitter. Criteria: Invitae Variant Classification Sherloc (09022015). Collection method: clinical testing. Allele origin: germline.
Comment: In summary, the available evidence is currently insufficient to determine the role of this variant in disease. Therefore, it has been classified as a Variant of Uncertain Significance. Advanced modeling of protein sequence and biophysical properties (such as structural, functional, and spatial information, amino acid conservation, physicochemical variation, residue mobility, and thermodynamic stability) performed at Invitae indicates that this missense variant is not expected to disrupt CUBN protein function. ClinVar contains an entry for this variant (Variation ID: 655284). This variant has not been reported in the literature in individuals affected with CUBN-related conditions. This variant is present in population databases (rs569915247, gnomAD 0.008%). This sequence change replaces alanine, which is neutral and non-polar, with threonine, which is neutral and polar, at codon 3056 of the CUBN protein (p.Ala3056Thr).